The following is an entry in ClinVar:

NM_006767.4(LZTR1):c.1833G>A (p.Val611=)

Gene: LZTR1 (leucine zipper like post translational regulator 1; plus strand). Cytogenetic location: 22q11.21.
Variant type: single nucleotide variant.
Coding change: c.1833G>A on transcript NM_006767.4 (MANE Select); coding-DNA position 1833, G replaced by A.
Protein change: p.Val611=; no amino-acid change (valine 611 retained).
Molecular consequence: synonymous variant.
Genome position (GRCh38, 1-based): chr22:20,994,917, G>A. VCF-style: chr22-20994917-G-A. GRCh37 (hg19) VCF-style: chr22-21349206-G-A.
Other names: c.1833G>A (NM_006767.3).
Identifiers: ClinVar variation 2881691 (VCV002881691.5), dbSNP rs770260964, ClinGen allele CA513699411.
Genomic context (GRCh38, chr22:20,994,917, plus strand): 5'-CTGTCTGCCCCAGGAGCACTGCCTGAACTTCGTGGTAAAGGAGTCCCACTTCAACCAGGT[G>A]ATCATGATGAAGGAGTTCGAGCGCCTCTCCTCTCCACTGATAGTGGAGATTGTGCGGCGG-3'
Protein context (NP_006758.2, residues 601-621): FVVKESHFNQ[Val611=]IMMKEFERLS

ClinVar aggregate classification (germline): Conflicting classifications of pathogenicity. Review status: criteria provided, conflicting classifications (1 of 4 stars). 2 submissions from 2 submitters: Uncertain significance (1); Likely benign (1). Last evaluated 2025-11-05.

Conditions:
Cardiovascular phenotype. Identifiers: MedGen CN230736.
Hereditary cancer-predisposing syndrome. Also called: Hereditary Cancer Syndrome; Hereditary neoplastic syndrome; Tumor predisposition; Neoplastic Syndromes, Hereditary. Identifiers: Orphanet 140162, MedGen C0027672, MeSH D009386, MONDO:0015356.

Allele frequency attached by ClinVar (database versions not stated): TOPMed 0.00001.
gnomAD v4.1: 3 of 1,613,426 alleles (0.00019%); highest among the groups gnomAD compares: Non-Finnish European, 0.00025%; no homozygotes.

Submissions (2):

Ambry Genetics
Classification: Uncertain significance for Cardiovascular phenotype; Hereditary cancer-predisposing syndrome. Last evaluated: 2025-11-05. Review status: criteria provided, single submitter. Criteria: Ambry Variant Classification Scheme 2023. Collection method: clinical testing. Allele origin: germline.
Comment: The c.1833G>A variant (also known as p.V611V), located in coding exon 16 of the LZTR1 gene, results from a G to A substitution at nucleotide position 1833. This nucleotide substitution does not change the valine at codon 611. This nucleotide position is not well conserved in available vertebrate species. In silico splice site analysis for this alteration is inconclusive; however, direct evidence is insufficient at this time (Ambry internal data). Based on the available evidence, the clinical significance of this variant remains unclear.

Labcorp Genetics (formerly Invitae), Labcorp
Classification: Likely benign. Last evaluated: 2025-10-20. Review status: criteria provided, single submitter. Criteria: Invitae Variant Classification Sherloc (09022015). Collection method: clinical testing. Allele origin: germline.